The following is an entry in ClinVar:

NM_001353921.2(ARHGEF9):c.820T>C (p.Tyr274His)

Gene: ARHGEF9 (Cdc42 guanine nucleotide exchange factor 9; minus strand). Cytogenetic location: Xq11.1.
Variant type: single nucleotide variant.
Coding change: c.820T>C on transcript NM_001353921.2 (MANE Select); coding-DNA position 820, T replaced by C.
Protein change: p.Tyr274His; replaces tyrosine 274 with histidine.
Molecular consequence: missense variant.
Genome position (GRCh38, 1-based): chrX:63,674,163, A>G on the plus strand (T>C on the coding strand, the complement: ARHGEF9 is on the minus strand). VCF-style: chrX-63674163-A-G. GRCh37 (hg19) VCF-style: chrX-62894043-A-G.
Other names: c.640T>C, p.Tyr214His (NM_001173479.2); c.493T>C, p.Tyr165His (NM_001173480.2, NM_001369042.1); c.736T>C, p.Tyr246His (NM_001330495.2, NM_001353927.2, NM_001369033.1 and 8 more transcripts); c.820T>C, p.Tyr274His (NM_001353922.2); c.838T>C, p.Tyr280His (NM_001353923.1); c.619T>C, p.Tyr207His (NM_001353924.2, NM_001353926.2, NM_001369039.1 and 1 more transcripts); c.799T>C, p.Tyr267His (NM_001353928.2, NM_001369030.1, NM_001369031.1 and 2 more transcripts); c.385T>C, p.Tyr129His (NM_001369045.1); short protein forms Y267H, Y129H, Y214H, Y165H, Y246H, Y274H, Y280H, Y207H.
Identifiers: ClinVar variation 426138 (VCV000426138.2), dbSNP rs1085307467, ClinGen allele CA413406192.

ClinVar aggregate classification (germline): Uncertain significance (1 of 4 stars; one submission).

Submission:

GeneDx
Classification: Uncertain significance. Last evaluated: 2017-05-01. Review status: criteria provided, single submitter. Criteria: GeneDx Variant Classification (06012015). Collection method: clinical testing. Allele origin: germline. Affected: yes.
Comment: The Y267H variant in the ARHGEF9 gene has not been reported previously as a pathogenic variant, nor as a benign variant, to our knowledge. The Y267H variant is not observed in large population cohorts (Lek et al., 2016; 1000 Genomes Consortium et al., 2015; Exome Variant Server). The Y267H variant is a non-conservative amino acid substitution, which is likely to impact secondary protein structure as these residues differ in polarity, charge, size and/or other properties. This substitution occurs at a position that is conserved across species. In silico analysis predicts this variant is probably damaging to the protein structure/function. We interpret Y267H as a variant of uncertain significance.